The following is an entry in ClinVar:

ClinVar aggregate classification (germline): Uncertain significance (1 of 4 stars; one submission).

Conditions:
Early-infantile DEE. Also called: Ohtahara syndrome; Early infantile epileptic encephalopathy with suppression bursts; Early infantile epileptic encephalopathy. Identifiers: Orphanet 1934, MedGen C0393706, MONDO:0800491.

Allele frequency attached by ClinVar (database versions not stated): gnomAD exomes below 0.00001.
gnomAD v4.1: 3 of 1,605,400 alleles (0.00019%); highest among the groups gnomAD compares: Non-Finnish European, 0.00017%; no homozygotes.

Submissions (2):

Labcorp Genetics (formerly Invitae), Labcorp
Classification: Uncertain significance for Early-infantile DEE. Last evaluated: 2022-02-03. Review status: criteria provided, single submitter. Criteria: Invitae Variant Classification Sherloc (09022015). Collection method: clinical testing. Allele origin: germline.
Comment: In summary, the available evidence is currently insufficient to determine the role of this variant in disease. Therefore, it has been classified as a Variant of Uncertain Significance. Algorithms developed to predict the effect of sequence changes on RNA splicing suggest that this variant may disrupt the consensus splice site. Algorithms developed to predict the effect of missense changes on protein structure and function (SIFT, PolyPhen-2, Align-GVGD) all suggest that this variant is likely to be disruptive. ClinVar contains an entry for this variant (Variation ID: 836073). This variant has not been reported in the literature in individuals affected with SCN1A-related conditions. This variant is not present in population databases (gnomAD no frequency). This sequence change replaces valine, which is neutral and non-polar, with phenylalanine, which is neutral and non-polar, at codon 1294 of the SCN1A protein (p.Val1294Phe).

Dr. Peter K. Rogan Lab, Western University
No classification provided (evidence only). Condition: Uterine corpus endometrial carcinoma. Review status: no classification provided. Collection method: in vitro. Allele origin: not applicable. Functional consequence: retained intron. Not counted in ClinVar's aggregate classification.

NM_001165963.4(SCN1A):c.3880G>T (p.Val1294Phe)

Genes: SCN1A (sodium voltage-gated channel alpha subunit 1; minus strand), LOC102724058 (uncharacterized LOC102724058; plus strand). Cytogenetic location: 2q24.3.
Variant type: single nucleotide variant.
Coding change: c.3880G>T on transcript NM_001165963.4 (MANE Select); coding-DNA position 3880, G replaced by T.
Protein change: p.Val1294Phe; replaces valine 1294 with phenylalanine.
Molecular consequence: missense variant. On other transcripts: non-coding transcript variant (1).
Genome position (GRCh38, 1-based): chr2:166,009,841, C>A on the plus strand (G>T on the coding strand, the complement: SCN1A is on the minus strand). VCF-style: chr2-166009841-C-A. GRCh37 (hg19) VCF-style: chr2-166866351-C-A.
Other names: c.3796G>T, p.Val1266Phe (NM_001165964.3, NM_001353957.2, NM_001353958.2); c.3880G>T, p.Val1294Phe (NM_001202435.3, NM_001353948.2); c.3847G>T, p.Val1283Phe (NM_001353949.2, NM_001353950.2, NM_001353951.2 and 2 more transcripts); c.3844G>T, p.Val1282Phe (NM_001353954.2, NM_001353955.2); c.3793G>T, p.Val1265Phe (NM_001353960.2); c.1438G>T, p.Val480Phe (NM_001353961.2); short protein forms V1266F, V1282F, V1294F, V1265F, V1283F, V480F.
Identifiers: ClinVar variation 836073 (VCV000836073.11), dbSNP rs1692186944, ClinGen allele CA349053549.